The following is an entry in ClinVar:

ClinVar aggregate classification (germline): Uncertain significance (1 of 4 stars; one submission).

Conditions:
Emery-Dreifuss muscular dystrophy 4, autosomal dominant (EDMD4). Also called: EMERY-DREIFUSS MUSCULAR DYSTROPHY 4 WITH VARIABLE FEATURES. Identifiers: Orphanet 261, MedGen C2751807, MONDO:0013071, OMIM 612998.
Autosomal recessive ataxia, Beauce type. Also called: SYNE1 Deficiency; Spinocerebellar ataxia, autosomal recessive 8; ATAXIA, RECESSIVE, OF BEAUCE; SYNE1-Related Autosomal Recessive Cerebellar Ataxia. Identifiers: Orphanet 88644, MedGen C1853116, MONDO:0012549, OMIM 610743.

Allele frequency attached by ClinVar (database versions not stated): gnomAD exomes 0.00001; ExAC 0.00002.
gnomAD v4.1: 4 of 1,614,166 alleles (0.00025%); highest among the groups gnomAD compares: Admixed American, 0.005%; no homozygotes.

Submission:

Labcorp Genetics (formerly Invitae), Labcorp
Classification: Uncertain significance for Emery-Dreifuss muscular dystrophy 4, autosomal dominant; Autosomal recessive ataxia, Beauce type. Last evaluated: 2025-01-20. Review status: criteria provided, single submitter. Criteria: Invitae Variant Classification Sherloc (09022015). Collection method: clinical testing. Allele origin: germline.
Comment: This sequence change replaces glutamine, which is neutral and polar, with arginine, which is basic and polar, at codon 4722 of the SYNE1 protein (p.Gln4722Arg). This variant is present in population databases (rs763138382, gnomAD 0.009%). This variant has not been reported in the literature in individuals affected with SYNE1-related conditions. ClinVar contains an entry for this variant (Variation ID: 1952965). An algorithm developed to predict the effect of missense changes on protein structure and function (PolyPhen-2) suggests that this variant is likely to be disruptive. In summary, the available evidence is currently insufficient to determine the role of this variant in disease. Therefore, it has been classified as a Variant of Uncertain Significance.

NM_182961.4(SYNE1):c.14378A>G (p.Gln4793Arg)

Gene: SYNE1 (spectrin repeat containing nuclear envelope protein 1; minus strand). Cytogenetic location: 6q25.2.
Variant type: single nucleotide variant.
Coding change: c.14378A>G on transcript NM_182961.4 (MANE Select); coding-DNA position 14378, A replaced by G.
Protein change: p.Gln4793Arg; replaces glutamine 4793 with arginine.
Molecular consequence: missense variant.
Genome position (GRCh38, 1-based): chr6:152,330,307, T>C on the plus strand (A>G on the coding strand, the complement: SYNE1 is on the minus strand). VCF-style: chr6-152330307-T-C. GRCh37 (hg19) VCF-style: chr6-152651442-T-C.
Other names: c.14165A>G, p.Gln4722Arg (NM_033071.5); short protein forms Q4793R, Q4722R.
Identifiers: ClinVar variation 1952965 (VCV001952965.5), dbSNP rs763138382, ClinGen allele CA4056016.